The following is an entry in ClinVar:

ClinVar aggregate classification (germline): Uncertain significance (1 of 4 stars; one submission).

gnomAD v4.1: 1 of 1,582,532 alleles (0.000063%); highest among the groups gnomAD compares: Non-Finnish European, 0.000086%; no homozygotes.

Submission:

GeneDx
Classification: Uncertain significance. Last evaluated: 2023-11-21. Review status: criteria provided, single submitter. Criteria: GeneDx Variant Classification Process June 2021. Collection method: clinical testing. Allele origin: germline. Affected: yes.
Comment: Not observed at significant frequency in large population cohorts (gnomAD); In silico analysis supports that this missense variant has a deleterious effect on protein structure/function; Has not been previously published as pathogenic or benign to our knowledge

NM_004523.4(KIF11):c.412C>T (p.Arg138Cys)

Gene: KIF11 (kinesin family member 11; plus strand). Cytogenetic location: 10q23.33.
Variant type: single nucleotide variant.
Coding change: c.412C>T on transcript NM_004523.4 (MANE Select); coding-DNA position 412, C replaced by T.
Protein change: p.Arg138Cys; replaces arginine 138 with cysteine.
Molecular consequence: missense variant.
Genome position (GRCh38, 1-based): chr10:92,609,044, C>T. VCF-style: chr10-92609044-C-T. GRCh37 (hg19) VCF-style: chr10-94368801-C-T.
Other names: short protein forms R138C.
Identifiers: ClinVar variation 3343918 (VCV003343918.1).